The following is an entry in ClinVar:

NM_001276270.2(MBD4):c.1609_1613delinsTTAT (p.Asp537fs)

Gene: MBD4 (methyl-CpG binding domain 4, DNA glycosylase; minus strand). Cytogenetic location: 3q21.3.
Variant type: Indel.
Coding change: c.1609_1613delinsTTAT on transcript NM_001276270.2 (MANE Select); coding-DNA positions 1609 to 1613, GACTC replaced by TTAT.
Protein change: p.Asp537fs; shifts the reading frame from aspartic acid 537.
Molecular consequence: frameshift variant. On other transcripts: intron variant (1).
Genome position (GRCh38, 1-based): chr3:129,432,537-129,432,541, GAGTC replaced by ATAA on the plus strand (GACTC replaced by TTAT on the coding strand, the reverse complement: MBD4 is on the minus strand). VCF-style: chr3-129432537-GAGTC-ATAA. GRCh37 (hg19) VCF-style: chr3-129151380-GAGTC-ATAA.
Other names: c.1627_1631delinsTTAT, p.Asp543fs (NM_001276271.2, NM_003925.3); c.673_677delinsTTAT, p.Asp225fs (NM_001276273.2); c.1612+15_1612+19delinsTTAT (NM_001276272.2); c.1609_1613delGACTCinsTTAT (NM_001276270.2); short protein forms D537fs, D543fs, D225fs.
Identifiers: ClinVar variation 4052171 (VCV004052171.1).

ClinVar aggregate classification (germline): Uncertain significance (1 of 4 stars; one submission).

Conditions:
Inborn genetic diseases. Identifiers: MedGen C0950123, MeSH D030342.

Submission:

Ambry Genetics
Classification: Uncertain significance for Inborn genetic diseases. Last evaluated: 2025-04-17. Review status: criteria provided, single submitter. Criteria: Ambry Variant Classification Scheme 2023. Collection method: clinical testing. Allele origin: germline.
Comment: The c.1609_1613delGACTCinsTTAT variant, located in coding exon 7 of the MBD4 gene, results from the deletion of 5 nucleotides and insertion of 4 nucleotides causing a translational frameshift with a predicted alternate stop codon (p.D537Lfs*21). This alteration occurs at the 3' terminus of theMBD4 gene, is not expected to trigger nonsense-mediated mRNAdecay, and impacts the last 6.7% of the protein. The exact functional effect of this alteration is unknown. Based on the available evidence, the clinical significance of this variant remains unclear.